The following is an entry in ClinVar:

NM_004239.4(TRIP11):c.3743A>G (p.Gln1248Arg)

Gene: TRIP11 (thyroid hormone receptor interactor 11; minus strand). Cytogenetic location: 14q32.12.
Variant type: single nucleotide variant.
Coding change: c.3743A>G on transcript NM_004239.4 (MANE Select); coding-DNA position 3743, A replaced by G.
Protein change: p.Gln1248Arg; replaces glutamine 1248 with arginine.
Molecular consequence: missense variant.
Genome position (GRCh38, 1-based): chr14:92,004,233, T>C on the plus strand (A>G on the coding strand, the complement: TRIP11 is on the minus strand). VCF-style: chr14-92004233-T-C. GRCh37 (hg19) VCF-style: chr14-92470577-T-C.
Other names: c.3740A>G, p.Gln1247Arg (NM_001321851.1); short protein forms Q1247R, Q1248R.
Identifiers: ClinVar variation 886443 (VCV000886443.10), dbSNP rs150694723, ClinGen allele CA7313583.

ClinVar aggregate classification (germline): Uncertain significance. Review status: criteria provided, multiple submitters, no conflicts (2 of 4 stars). 3 submissions from 3 submitters: Uncertain significance (3). Last evaluated 2023-03-16.

Conditions:
Inborn genetic diseases. Identifiers: MedGen C0950123, MeSH D030342.
Achondrogenesis, type IA (ACG1A). Identifiers: Orphanet 932, Orphanet 93299, MedGen C0265273, MONDO:0008701, OMIM 200600.

Allele frequency attached by ClinVar (database versions not stated): gnomAD exomes 0.00004 and 0.00010; gnomAD 0.00007 and 0.00009; TOPMed 0.00007; ExAC 0.00013; ESP Exome Variant Server 0.00015.
gnomAD v4.1: 81 of 1,614,074 alleles (0.005%); highest among the groups gnomAD compares: Middle Eastern, 0.033%; no homozygotes.

Submissions (3):

Ambry Genetics
Classification: Uncertain significance for Inborn genetic diseases. Last evaluated: 2023-03-16. Review status: criteria provided, single submitter. Criteria: Ambry Variant Classification Scheme 2023. Collection method: clinical testing. Allele origin: germline.

Labcorp Genetics (formerly Invitae), Labcorp
Classification: Uncertain significance for Achondrogenesis, type IA. Last evaluated: 2022-10-03. Review status: criteria provided, single submitter. Criteria: Invitae Variant Classification Sherloc (09022015). Collection method: clinical testing. Allele origin: germline.
Comment: This sequence change replaces glutamine with arginine at codon 1248 of the TRIP11 protein (p.Gln1248Arg). The glutamine residue is weakly conserved and there is a small physicochemical difference between glutamine and arginine. This variant is present in population databases (rs150694723, gnomAD 0.2%). This variant has not been reported in the literature in individuals affected with TRIP11-related conditions. ClinVar contains an entry for this variant (Variation ID: 886443). Advanced modeling of protein sequence and biophysical properties (such as structural, functional, and spatial information, amino acid conservation, physicochemical variation, residue mobility, and thermodynamic stability) performed at Invitae indicates that this missense variant is not expected to disrupt TRIP11 protein function. In summary, the available evidence is currently insufficient to determine the role of this variant in disease. Therefore, it has been classified as a Variant of Uncertain Significance.

Illumina Laboratory Services, Illumina
Classification: Uncertain significance for Achondrogenesis, type IA. Last evaluated: 2018-01-15. Review status: criteria provided, single submitter. Criteria: ICSL Variant Classification Criteria 13 December 2019. Collection method: clinical testing. Allele origin: germline.